The following is an entry in ClinVar:

NM_001077350.3(NPRL3):c.139G>A (p.Ala47Thr)

Genes: HBA-LCR (alpha-globin locus control region; plus strand), NPRL3 (NPR3 like, GATOR1 complex subunit; minus strand). Cytogenetic location: 16p13.3.
Variant type: single nucleotide variant.
Coding change: c.139G>A on transcript NM_001077350.3 (MANE Select); coding-DNA position 139, G replaced by A.
Protein change: p.Ala47Thr; replaces alanine 47 with threonine.
Molecular consequence: missense variant. On other transcripts: 5 prime UTR variant (2).
Genome position (GRCh38, 1-based): chr16:130,571, C>T on the plus strand (G>A on the coding strand, the complement: NPRL3 is on the minus strand). VCF-style: chr16-130571-C-T. GRCh37 (hg19) VCF-style: chr16-180570-C-T.
Other names: c.-194G>A (NM_001039476.3); c.-233G>A (NM_001243247.2); c.139G>A, p.Ala47Thr (NM_001243248.2, NM_001243249.2); short protein forms A47T.
Identifiers: ClinVar variation 1305991 (VCV001305991.7), dbSNP rs1401901852, ClinGen allele CA393997875.

ClinVar aggregate classification (germline): Uncertain significance. Review status: criteria provided, multiple submitters, no conflicts (2 of 4 stars). 2 submissions from 2 submitters: Uncertain significance (2). Last evaluated 2026-08-07.

Conditions:
Epilepsy, familial focal, with variable foci 3 (FFEVF3). Identifiers: MedGen C4310708, MONDO:0014925, OMIM 617118.

Allele frequency attached by ClinVar (database versions not stated): gnomAD 0.00001; TOPMed 0.00001.
gnomAD v4.1: 8 of 1,555,054 alleles (0.00051%); highest among the groups gnomAD compares: African/African-American, 0.0027%; no homozygotes.

Submissions (2):

GeneDx
Classification: Uncertain significance. Last evaluated: 2026-08-07. Review status: criteria provided, single submitter. Criteria: GeneDx Variant Classification Process June 2021. Collection method: clinical testing. Allele origin: germline.
Comment: Not observed at significant frequency in large population cohorts (gnomAD); In silico analysis suggests that this missense variant does not alter protein structure/function; Has not been previously published as pathogenic or benign to our knowledge

Labcorp Genetics (formerly Invitae), Labcorp
Classification: Uncertain significance for Epilepsy, familial focal, with variable foci 3. Last evaluated: 2024-04-05. Review status: criteria provided, single submitter. Criteria: Invitae Variant Classification Sherloc (09022015). Collection method: clinical testing. Allele origin: germline.
Comment: This sequence change replaces alanine, which is neutral and non-polar, with threonine, which is neutral and polar, at codon 47 of the NPRL3 protein (p.Ala47Thr). This variant is not present in population databases (gnomAD no frequency). This variant has not been reported in the literature in individuals affected with NPRL3-related conditions. ClinVar contains an entry for this variant (Variation ID: 1305991). Advanced modeling of protein sequence and biophysical properties (such as structural, functional, and spatial information, amino acid conservation, physicochemical variation, residue mobility, and thermodynamic stability) performed at Invitae indicates that this missense variant is not expected to disrupt NPRL3 protein function with a negative predictive value of 80%. In summary, the available evidence is currently insufficient to determine the role of this variant in disease. Therefore, it has been classified as a Variant of Uncertain Significance.